The following is an entry in ClinVar:

NM_001267550.2(TTN):c.72774T>C (p.Ile24258=)

Genes: TTN (titin; minus strand), TTN-AS1 (TTN antisense RNA 1; plus strand). Cytogenetic location: 2q31.2.
Variant type: single nucleotide variant.
Coding change: c.72774T>C on transcript NM_001267550.2 (MANE Select); coding-DNA position 72774, T replaced by C.
Protein change: p.Ile24258=; no amino-acid change (isoleucine 24258 retained).
Molecular consequence: synonymous variant.
Genome position (GRCh38, 1-based): chr2:178,573,358, A>G on the plus strand (T>C on the coding strand, the complement: TTN is on the minus strand). VCF-style: chr2-178573358-A-G. GRCh37 (hg19) VCF-style: chr2-179438085-A-G.
Other names: p.Ile22617=; c.67851T>C, p.Ile22617= (NM_001256850.1); c.45579T>C, p.Ile15193= (NM_003319.4); c.65070T>C, p.Ile21690= (NM_133378.4); c.45954T>C, p.Ile15318= (NM_133432.3); c.46155T>C, p.Ile15385= (NM_133437.4).
Identifiers: ClinVar variation 702498 (VCV000702498.12), dbSNP rs1057172488, ClinGen allele CA60999849.

ClinVar aggregate classification (germline): Likely benign. Review status: criteria provided, multiple submitters, no conflicts (2 of 4 stars). 3 submissions from 3 submitters: Likely benign (3). Last evaluated 2026-06-01.

Conditions:
Autosomal recessive limb-girdle muscular dystrophy type 2J (LGMDR10). Also called: Limb-girdle muscular dystrophy, type 2J; MUSCULAR DYSTROPHY, LIMB-GIRDLE, AUTOSOMAL RECESSIVE 10. Identifiers: Orphanet 140922, MedGen C1837342, MONDO:0012127, OMIM 608807.
Dilated cardiomyopathy 1G (CMD1G). Identifiers: Orphanet 154, MedGen C1858763, MONDO:0011400, OMIM 604145.

Allele frequency attached by ClinVar (database versions not stated): gnomAD exomes below 0.00001 and 0.00001; TOPMed 0.00001.
gnomAD v4.1: 7 of 1,529,004 alleles (0.00046%); highest among the groups gnomAD compares: Non-Finnish European, 0.00044%; no homozygotes.

Submissions (3):

CeGaT Center for Human Genetics Tuebingen
Classification: Likely benign. Last evaluated: 2026-06-01. Review status: criteria provided, single submitter. Criteria: CeGaT Center For Human Genetics Tuebingen Variant Classification Criteria Version 2. Collection method: clinical testing. Allele origin: germline. Affected: yes. Observed: 1 variant allele.
Comment: TTN: BP4, BP7

Mayo Clinic Laboratories, Mayo Clinic
Classification: Likely benign. Last evaluated: 2025-06-02. Review status: criteria provided, single submitter. Criteria: ACMG Guidelines, 2015. Collection method: clinical testing. Allele origin: germline. Observed: 1 variant allele.
Comment: BP4, BP7, PM2_supporting

Labcorp Genetics (formerly Invitae), Labcorp
Classification: Likely benign for Dilated cardiomyopathy 1G; Autosomal recessive limb-girdle muscular dystrophy type 2J. Last evaluated: 2023-10-13. Review status: criteria provided, single submitter. Criteria: Invitae Variant Classification Sherloc (09022015). Collection method: clinical testing. Allele origin: germline.